The following is an entry in ClinVar:

ClinVar aggregate classification (germline): Uncertain significance (1 of 4 stars; one submission).

gnomAD v4.1: 3 of 1,589,762 alleles (0.00019%); highest among the groups gnomAD compares: Non-Finnish European, 0.00026%; no homozygotes.

Submission:

GeneDx
Classification: Uncertain significance. Last evaluated: 2025-06-02. Review status: criteria provided, single submitter. Criteria: GeneDx Variant Classification Process June 2021. Collection method: clinical testing. Allele origin: germline. Affected: yes.
Comment: Not observed at significant frequency in large population cohorts (gnomAD); In silico analysis suggests that this missense variant does not alter protein structure/function; Has not been previously published as pathogenic or benign to our knowledge

NM_001366521.1(ATP2B1):c.7G>A (p.Asp3Asn)

Gene: ATP2B1 (ATPase plasma membrane Ca2+ transporting 1; minus strand). Cytogenetic location: 12q21.33.
Variant type: single nucleotide variant.
Coding change: c.7G>A on transcript NM_001366521.1 (MANE Select); coding-DNA position 7, G replaced by A.
Protein change: p.Asp3Asn; replaces aspartic acid 3 with asparagine.
Molecular consequence: missense variant. On other transcripts: non-coding transcript variant (3).
Genome position (GRCh38, 1-based): chr12:89,655,880, C>T on the plus strand (G>A on the coding strand, the complement: ATP2B1 is on the minus strand). VCF-style: chr12-89655880-C-T. GRCh37 (hg19) VCF-style: chr12-90049657-C-T.
Other names: c.7G>A, p.Asp3Asn (NM_001366526.1, NM_001366527.1, NM_001366528.1 and 26 more transcripts); short protein forms D3N.
Identifiers: ClinVar variation 4536421 (VCV004536421.1).